The following is an entry in ClinVar:

NM_000278.5(PAX2):c.221_226del (p.Glu74_Thr75del)

Gene: PAX2 (paired box 2; plus strand). Cytogenetic location: 10q24.31.
Variant type: Deletion.
Coding change: c.221_226del on transcript NM_000278.5 (MANE Select); coding-DNA positions 221 to 226, 6 bases deleted (AGACCG; older notation c.221_226delAGACCG).
Protein change: p.Glu74_Thr75del.
Molecular consequence: inframe deletion.
Genome position (GRCh38, 1-based): chr10:100,750,702-100,750,707, AGACCG deleted; deleting any 6 consecutive bases within chr10:100,750,700-100,750,707 gives the same sequence; the c. name uses the placement nearest the transcript's 3' end. VCF-style (leftmost placement, unchanged base first): chr10-100750699-ACGAGAC-A. GRCh37 (hg19) VCF-style: chr10-102510456-ACGAGAC-A.
Other names: c.314_319del, p.Glu105_Thr106del (NM_001304569.2); c.221_226del, p.Glu74_Thr75del (NM_003987.5, NM_003988.5, NM_003989.5 and 1 more transcripts).
Identifiers: ClinVar variation 2632522 (VCV002632522.1), dbSNP rs387906530, ClinGen allele CA2695201032.

ClinVar aggregate classification (germline): Uncertain significance (1 of 4 stars; one submission).

Conditions:
PAX2-Related Disorder. Also called: PAX2-related disorders. Identifiers: MedGen CN381309.

Submission:

PreventionGenetics, part of Exact Sciences
Classification: Uncertain significance for PAX2-related condition. Last evaluated: 2023-05-22. Review status: criteria provided, single submitter. Criteria: ACMG Guidelines, 2015. Collection method: clinical testing. Allele origin: germline.
Comment: The PAX2 c.221_226del6 variant is predicted to result in an in-frame deletion (p.Glu74_Thr75del). To our knowledge, this variant has not been reported in the literature or in a large population database, indicating this variant is rare. At this time, the clinical significance of this variant is uncertain due to the absence of conclusive functional and genetic evidence.